The following is an entry in ClinVar:

NM_000459.5(TEK):c.3327_3328del (p.Lys1110fs)

Gene: TEK (TEK receptor tyrosine kinase; plus strand). Cytogenetic location: 9p21.2.
Variant type: Microsatellite.
Coding change: c.3327_3328del on transcript NM_000459.5 (MANE Select); coding-DNA positions 3327 to 3328, 2 bases deleted (GA; older notation c.3327_3328delGA).
Protein change: p.Lys1110fs; shifts the reading frame from lysine 1110.
Molecular consequence: frameshift variant.
Genome position (GRCh38, 1-based): chr9:27,229,184-27,229,185, GA deleted; deleting any 2 consecutive bases within chr9:27,229,182-27,229,185 gives the same sequence; the c. name uses the placement nearest the transcript's 3' end. VCF-style (leftmost placement, unchanged base first): chr9-27229181-TGA-T. GRCh37 (hg19) VCF-style: chr9-27229179-TGA-T.
Other names: c.3198_3199del, p.Lys1067fs (NM_001290077.2); c.2883_2884del, p.Lys962fs (NM_001290078.2); c.3324_3325del, p.Lys1109fs (NM_001375475.1); c.3195_3196del, p.Lys1066fs (NM_001375476.1); short protein forms K1066fs, K1067fs, K1109fs, K1110fs, K962fs.
Identifiers: ClinVar variation 4279993 (VCV004279993.1).

ClinVar aggregate classification (germline): Likely pathogenic (1 of 4 stars; one submission).

Conditions:
Vascular malformation. Also called: Vascular malformations. Identifiers: MedGen C0158570, MONDO:0024291.

Submission:

Clinical Genomics Laboratory, Washington University in St. Louis
Classification: Likely pathogenic for Vascular malformation. Last evaluated: 2025-08-22. Review status: criteria provided, single submitter. Criteria: Leon-Quintero et al. (Clin Genet. 2025). Collection method: clinical testing. Allele origin: somatic.
Comment: A TEK c.3327_3328del (p.Lys1110Valfs*7) variant was identified at an allelic fraction consistent with somatic origin. This variant has been reported in one individual with vascular malformations (Cao Y et al., PMID: 39669237). It is absent from the general population (gnomAD v.4.1.0), indicating it is not a common variant and resides within the C-terminal tail of TIE2, which is defined as a critical functional domain (Du Z et al., PMID: 28818232; Shewchuk LM et al., PMID: 11080633). Functional studies on truncating variants in exon 23 of TEK (carboxy terminus of Tie2) demonstrated ligand-independent hyperphosphorylation of the Tie2 receptor, which is predicted to disrupt an autoinhibitory mechanism involving the C-terminal region of Tie2, thereby resulting in constitutive activation of the downstream AKT signaling pathway (Nätynki M et al., PMID: 26319232; Soblet J et al., PMID: 23801934; Niu XL et al., PMID: 12082108). This variant causes a change in the amino acid sequence from lysine to valine at position 1110, leading to a premature termination codon seven amino acids downstream. However, because this occurs in the last exon, it is not predicted to lead to nonsense-mediated decay. Based on available information and an internally developed protocol informed by the ACMG/AMP guidelines for variant interpretation and gene-specific practices from the ClinGen Criteria Specification Registry (Leon-Quintero FZ et al., PMID: 39434542), the TEK c.3327_3328del (p.Lys1110Valfs*7) variant is classified as pathogenic.